The following is an entry in ClinVar:

ClinVar aggregate classification (germline): Benign. Review status: criteria provided, multiple submitters, no conflicts (2 of 4 stars). 6 submissions from 6 submitters: Benign (5). 1 of the submissions does not count toward it. Last evaluated 2026-01-30.

Conditions:
SYNE2-related disorder. Also called: SYNE2-related condition.
Emery-Dreifuss muscular dystrophy 5, autosomal dominant (EDMD5). Also called: EMERY-DREIFUSS MUSCULAR DYSTROPHY 5. Identifiers: Orphanet 261, MedGen C2751805, MONDO:0013072, OMIM 612999.

Allele frequency attached by ClinVar (database versions not stated): ESP Exome Variant Server 0.00025; gnomAD exomes 0.00176 and 0.00540; gnomAD 0.00249 and 0.00309; TOPMed 0.00447; ExAC 0.00473; 1000 Genomes Project 30x 0.01062; 1000 Genomes Project 0.01158.
gnomAD v4.1: 3,122 of 1,614,262 alleles (0.19%); highest among the groups gnomAD compares: East Asian, 4.5%; 65 homozygotes.

Submissions (6):

Labcorp Genetics (formerly Invitae), Labcorp
Classification: Benign for Emery-Dreifuss muscular dystrophy 5, autosomal dominant. Last evaluated: 2026-01-30. Review status: criteria provided, single submitter. Criteria: Invitae Variant Classification Sherloc (09022015). Collection method: clinical testing. Allele origin: germline.

PreventionGenetics, part of Exact Sciences
Classification: Benign for SYNE2-related condition. Last evaluated: 2026-01-08. Review status: criteria provided, single submitter. Criteria: ACMG Guidelines, 2015. Collection method: clinical testing. Allele origin: germline.
Comment: This variant is classified as benign based on ACMG/AMP sequence variant interpretation guidelines (Richards et al. 2015 PMID: 25741868, with internal and published modifications).

Illumina Laboratory Services, Illumina
Classification: Benign for Emery-Dreifuss muscular dystrophy 5, autosomal dominant. Last evaluated: 2018-01-13. Review status: criteria provided, single submitter. Criteria: ICSL Variant Classification Criteria 13 December 2019. Collection method: clinical testing. Allele origin: germline.
Comment: This variant was observed in the ICSL laboratory as part of a predisposition screen in an ostensibly healthy population. It had not been previously curated by ICSL or reported in the Human Gene Mutation Database (HGMD: prior to June 1st, 2018), and was therefore a candidate for classification through an automated scoring system. Utilizing variant allele frequency, disease prevalence and penetrance estimates, and inheritance mode, an automated score was calculated to assess if this variant is too frequent to cause the disease. Based on the score and internal cut-off values, a variant classified as benign is not then subjected to further curation. The score for this variant resulted in a classification of benign for this disease.

Eurofins Ntd Llc (ga)
Classification: Benign. Last evaluated: 2015-02-14. Review status: criteria provided, single submitter. Criteria: EGL Classification Definitions 2015. Collection method: clinical testing. Allele origin: germline. Observed: 1 variant allele, 1 heterozygote.

Breakthrough Genomics
Classification: Benign. Review status: criteria provided, single submitter. Criteria: ACMG Guidelines, 2015. Collection method: not provided. Allele origin: germline. Inheritance: Autosomal dominant inheritance. Affected: yes.

Genetic Services Laboratory, University of Chicago
Classification: Likely benign for AllHighlyPenetrant. Review status: no assertion criteria provided. Collection method: clinical testing. Allele origin: germline. Inheritance: Autosomal dominant inheritance. Not counted in ClinVar's aggregate classification.
Comment: Likely benign based on allele frequency in 1000 Genomes Project or ESP global frequency and its presence in a patient with a rare or unrelated disease phenotype. NOT Sanger confirmed.

NM_182914.3(SYNE2):c.10835A>G (p.Gln3612Arg)

Gene: SYNE2 (spectrin repeat containing nuclear envelope protein 2; plus strand). Cytogenetic location: 14q23.2.
Variant type: single nucleotide variant.
Coding change: c.10835A>G on transcript NM_182914.3 (MANE Select); coding-DNA position 10835, A replaced by G.
Protein change: p.Gln3612Arg; replaces glutamine 3612 with arginine.
Molecular consequence: missense variant.
Genome position (GRCh38, 1-based): chr14:64,074,105, A>G. VCF-style: chr14-64074105-A-G. GRCh37 (hg19) VCF-style: chr14-64540823-A-G.
Other names: c.10835A>G, p.Gln3612Arg (NM_015180.6); short protein forms Q3612R.
Identifiers: ClinVar variation 130457 (VCV000130457.25), dbSNP rs78110192, ClinGen allele CA155504.
Genomic context (GRCh38, chr14:64,074,105, plus strand): 5'-TAATTGCTTTGAAGAATTTCTTTCAACAGACCACAACTTCATTCCAAAATATGGCATTCC[A>G]GGATCACCCAGAAAAGTCAGAACAATTTGAGGTAAGTGAGGAATGAATTAGTGAATGTGG-3'
Protein context (NP_878918.2, residues 3602-3622): TTTSFQNMAF[Gln3612Arg]DHPEKSEQFE